The following is an entry in ClinVar:

NM_001160372.4(TRAPPC9):c.241A>T (p.Ile81Phe)

Gene: TRAPPC9 (trafficking protein particle complex subunit 9; minus strand). Cytogenetic location: 8q24.3.
Variant type: single nucleotide variant.
Coding change: c.241A>T on transcript NM_001160372.4 (MANE Select); coding-DNA position 241, A replaced by T.
Protein change: p.Ile81Phe; replaces isoleucine 81 with phenylalanine.
Molecular consequence: missense variant. On other transcripts: non-coding transcript variant (1).
Genome position (GRCh38, 1-based): chr8:140,451,133, T>A on the plus strand (A>T on the coding strand, the complement: TRAPPC9 is on the minus strand). VCF-style: chr8-140451133-T-A. GRCh37 (hg19) VCF-style: chr8-141461232-T-A.
Other names: c.241A>T, p.Ile81Phe (NM_001321646.2, NM_001374682.1, NM_001374683.1 and 2 more transcripts); c.535A>T (NM_031466.5); short protein forms I81F.
Identifiers: ClinVar variation 1497753 (VCV001497753.6), dbSNP rs139039328, ClinGen allele CA4893768.

ClinVar aggregate classification (germline): Uncertain significance. Review status: criteria provided, multiple submitters, no conflicts (2 of 4 stars). 2 submissions from 2 submitters: Uncertain significance (2). Last evaluated 2023-08-18.

Allele frequency attached by ClinVar (database versions not stated): 1000 Genomes Project 30x 0.00016; ExAC 0.00003; TOPMed 0.00005; 1000 Genomes Project 0.00020; gnomAD exomes 0.00004; gnomAD 0.00010; ESP Exome Variant Server 0.00008.
gnomAD v4.1: 23 of 1,614,086 alleles (0.0014%); highest among the groups gnomAD compares: African/African-American, 0.031%; no homozygotes.

Submissions (2):

GeneDx
Classification: Uncertain significance. Last evaluated: 2023-08-18. Review status: criteria provided, single submitter. Criteria: GeneDx Variant Classification Process June 2021. Collection method: clinical testing. Allele origin: germline. Affected: yes.
Comment: In silico analysis supports that this missense variant has a deleterious effect on protein structure/function; Has not been previously published as pathogenic or benign to our knowledge

Labcorp Genetics (formerly Invitae), Labcorp
Classification: Uncertain significance. Last evaluated: 2022-08-31. Review status: criteria provided, single submitter. Criteria: Invitae Variant Classification Sherloc (09022015). Collection method: clinical testing. Allele origin: germline.
Comment: This sequence change replaces isoleucine, which is neutral and non-polar, with phenylalanine, which is neutral and non-polar, at codon 179 of the TRAPPC9 protein (p.Ile179Phe). This variant is present in population databases (rs139039328, gnomAD 0.06%). This variant has not been reported in the literature in individuals affected with TRAPPC9-related conditions. ClinVar contains an entry for this variant (Variation ID: 1497753). Algorithms developed to predict the effect of missense changes on protein structure and function are either unavailable or do not agree on the potential impact of this missense change (SIFT: "Not Available"; PolyPhen-2: "Benign"; Align-GVGD: "Not Available"). In summary, the available evidence is currently insufficient to determine the role of this variant in disease. Therefore, it has been classified as a Variant of Uncertain Significance.